The following is an entry in ClinVar:

ClinVar aggregate classification (germline): Uncertain significance. Review status: criteria provided, multiple submitters, no conflicts (2 of 4 stars). 5 submissions from 5 submitters: Uncertain significance (4). 1 of the submissions does not count toward it. Last evaluated 2025-08-07.

Conditions:
CFTR-related disorder (CFTR-RD). Also called: CFTR-related disorders; CFTR-related condition. Identifiers: MedGen C5924204, MONDO:7770004.
Cystic fibrosis (CF). Also called: MUCOVISCIDOSIS. Identifiers: Orphanet 586, MedGen C0010674, MONDO:0009061, OMIM 219700. Disease mechanism: loss of function.

Allele frequency attached by ClinVar (database versions not stated): ExAC 0.00001.
gnomAD v4.1: 3 of 1,600,896 alleles (0.00019%); highest among the groups gnomAD compares: Admixed American, 0.0034%; no homozygotes.

Submissions (5):

Labcorp Genetics (formerly Invitae), Labcorp
Classification: Uncertain significance for Cystic fibrosis. Last evaluated: 2025-08-07. Review status: criteria provided, single submitter. Criteria: Invitae Variant Classification Sherloc (09022015). Collection method: clinical testing. Allele origin: germline.
Comment: This sequence change replaces glutamic acid, which is acidic and polar, with glycine, which is neutral and non-polar, at codon 588 of the CFTR protein (p.Glu588Gly). This variant is present in population databases (rs397508297, gnomAD 0.009%). This variant has not been reported in the literature in individuals affected with CFTR-related conditions. ClinVar contains an entry for this variant (Variation ID: 502799). Invitae Evidence Modeling of protein sequence and biophysical properties (such as structural, functional, and spatial information, amino acid conservation, physicochemical variation, residue mobility, and thermodynamic stability) indicates that this missense variant is expected to disrupt CFTR protein function with a positive predictive value of 80%. In summary, the available evidence is currently insufficient to determine the role of this variant in disease. Therefore, it has been classified as a Variant of Uncertain Significance.

Ambry Genetics
Classification: Uncertain significance for Cystic fibrosis. Last evaluated: 2025-03-17. Review status: criteria provided, single submitter. Criteria: Ambry Variant Classification Scheme 2023. Collection method: clinical testing. Allele origin: germline.
Comment: The p.E588G variant (also known as c.1763A>G), located in coding exon 13 of the CFTR gene, results from an A to G substitution at nucleotide position 1763. The glutamic acid at codon 588 is replaced by glycine, an amino acid with similar properties. This amino acid position is well conserved in available vertebrate species. In addition, this alteration is predicted to be deleterious by in silico analysis. Based on the available evidence, the clinical significance of this variant remains unclear.

Genome-Nilou Lab
Classification: Uncertain significance for Cystic fibrosis. Last evaluated: 2021-09-05. Review status: criteria provided, single submitter. Criteria: ACMG Guidelines, 2015. Collection method: clinical testing. Allele origin: germline. Affected: no.

Eurofins Ntd Llc (ga)
Classification: Uncertain significance. Last evaluated: 2017-06-30. Review status: criteria provided, single submitter. Criteria: EGL Classification Definitions 2015. Collection method: clinical testing. Allele origin: germline. Observed: 1 variant allele, 1 heterozygote.

Natera, Inc.
Classification: Uncertain significance for CFTR-related disorders. Last evaluated: 2018-05-07. Review status: no assertion criteria provided. Collection method: clinical testing. Allele origin: germline. Not counted in ClinVar's aggregate classification.

NM_000492.4(CFTR):c.1763A>G (p.Glu588Gly)

Gene: CFTR (CF transmembrane conductance regulator; plus strand). Cytogenetic location: 7q31.2.
Variant type: single nucleotide variant.
Coding change: c.1763A>G on transcript NM_000492.4 (MANE Select); coding-DNA position 1763, A replaced by G.
Protein change: p.Glu588Gly; replaces glutamic acid 588 with glycine.
Molecular consequence: missense variant.
Genome position (GRCh38, 1-based): chr7:117,590,436, A>G. VCF-style: chr7-117590436-A-G. GRCh37 (hg19) VCF-style: chr7-117230490-A-G.
Other names: c.1763A>G (NM_000492.3); short protein forms E588G.
Identifiers: ClinVar variation 502799 (VCV000502799.16), dbSNP rs397508297, ClinGen allele CA4451078.